The following is an entry in ClinVar:

NM_001348716.2(KDM6B):c.485C>T (p.Ser162Phe)

Gene: KDM6B (lysine demethylase 6B; plus strand). Cytogenetic location: 17p13.1.
Variant type: single nucleotide variant.
Coding change: c.485C>T on transcript NM_001348716.2 (MANE Select); coding-DNA position 485, C replaced by T.
Protein change: p.Ser162Phe; replaces serine 162 with phenylalanine.
Molecular consequence: missense variant.
Genome position (GRCh38, 1-based): chr17:7,846,428, C>T. VCF-style: chr17-7846428-C-T. GRCh37 (hg19) VCF-style: chr17-7749746-C-T.
Other names: c.485C>T, p.Ser162Phe (NM_001080424.2); short protein forms S162F.
Identifiers: ClinVar variation 4534383 (VCV004534383.6).

ClinVar aggregate classification (germline): Likely benign (1 of 4 stars; one submission).

Submission:

CeGaT Center for Human Genetics Tuebingen
Classification: Likely benign. Last evaluated: 2026-07-01. Review status: criteria provided, single submitter. Criteria: CeGaT Center For Human Genetics Tuebingen Variant Classification Criteria Version 2. Collection method: clinical testing. Allele origin: germline. Affected: yes. Observed: 2 variant alleles.
Comment: KDM6B: BP4, BS1